The following is an entry in ClinVar:

ClinVar aggregate classification (germline): Uncertain significance (1 of 4 stars; one submission).

Conditions:
Hereditary cancer-predisposing syndrome. Also called: Hereditary neoplastic syndrome; Neoplastic Syndromes, Hereditary; Tumor predisposition; Hereditary Cancer Syndrome. Identifiers: Orphanet 140162, MedGen C0027672, MeSH D009386, MONDO:0015356.

Submission:

Ambry Genetics
Classification: Uncertain significance for Hereditary cancer-predisposing syndrome. Last evaluated: 2025-07-09. Review status: criteria provided, single submitter. Criteria: Ambry Variant Classification Scheme 2023. Collection method: clinical testing. Allele origin: germline.
Comment: The p.K1878E variant (also known as c.5632A>G), located in coding exon 15 of the APC gene, results from an A to G substitution at nucleotide position 5632. The lysine at codon 1878 is replaced by glutamic acid, an amino acid with similar properties. This amino acid position is conserved. In addition, in silico predictors for this gene do not accurately predict pathogenicity. Based on the available evidence, the clinical significance of this variant remains unclear.

NM_000038.6(APC):c.5632A>G (p.Lys1878Glu)

Gene: APC (APC regulator of Wnt signaling pathway; plus strand). Cytogenetic location: 5q22.2.
Variant type: single nucleotide variant.
Coding change: c.5632A>G on transcript NM_000038.6 (MANE Select); coding-DNA position 5632, A replaced by G.
Protein change: p.Lys1878Glu; replaces lysine 1878 with glutamic acid.
Molecular consequence: missense variant. On other transcripts: non-coding transcript variant (2).
Genome position (GRCh38, 1-based): chr5:112,841,226, A>G. VCF-style: chr5-112841226-A-G. GRCh37 (hg19) VCF-style: chr5-112176923-A-G.
Other names: c.5632A>G, p.Lys1878Glu (NM_001127510.3, NM_001354895.2, NM_001407450.1); c.5578A>G, p.Lys1860Glu (NM_001127511.3); c.5686A>G, p.Lys1896Glu (NM_001354896.2, NM_001407447.1, NM_001407448.1 and 1 more transcripts); c.5662A>G, p.Lys1888Glu (NM_001354897.2); c.5557A>G, p.Lys1853Glu (NM_001354898.2); c.5548A>G, p.Lys1850Glu (NM_001354899.2); c.5509A>G, p.Lys1837Glu (NM_001354900.2); c.5455A>G, p.Lys1819Glu (NM_001354901.2, NM_001407453.1); and 11 more; short protein forms K1787E, K1871E, K1896E, K1906E, K1718E, K1819E, K1850E, K1868E.
Identifiers: ClinVar variation 4120852 (VCV004120852.1).
Genomic context (GRCh38, chr5:112,841,226, plus strand): 5'-CGAAATGATTCTTTGAGTTCTCTAGATTTTGATGATGATGATGTTGACCTTTCCAGGGAA[A>G]AGGCTGAATTAAGAAAGGCAAAAGAAAATAAGGAATCAGAGGCTAAAGTTACCAGCCACA-3'
Protein context (NP_000029.2, residues 1868-1888): DDDDVDLSRE[Lys1878Glu]AELRKAKENK